The following is an entry in ClinVar:

NM_001197104.2(KMT2A):c.2915C>A (p.Thr972Asn)

Gene: KMT2A (lysine methyltransferase 2A; plus strand). Cytogenetic location: 11q23.3.
Variant type: single nucleotide variant.
Coding change: c.2915C>A on transcript NM_001197104.2 (MANE Select); coding-DNA position 2915, C replaced by A.
Protein change: p.Thr972Asn; replaces threonine 972 with asparagine.
Molecular consequence: missense variant.
Genome position (GRCh38, 1-based): chr11:118,474,074, C>A. VCF-style: chr11-118474074-C-A. GRCh37 (hg19) VCF-style: chr11-118344789-C-A.
Other names: c.2915C>A (NM_001197104.1); c.2915C>A, p.Thr972Asn (NM_005933.4); short protein forms T972N.
Identifiers: ClinVar variation 1444225 (VCV001444225.9), dbSNP rs782663858, ClinGen allele CA6303577.
Genomic context (GRCh38, chr11:118,474,074, plus strand): 5'-ATACAACAGCTGTCAAAACCAAAATACTTATAAAGAAAGGGAGAGGAAATCTGGAAAAAA[C>A]CAACTTGGACCTCGGCCCAACTGCCCCATCCCTGGAGAAGGAGAAAACCCTCTGCCTTTC-3'
Protein context (NP_001184033.1, residues 962-982): IKKGRGNLEK[Thr972Asn]NLDLGPTAPS

ClinVar aggregate classification (germline): Conflicting classifications of pathogenicity. Review status: criteria provided, conflicting classifications (1 of 4 stars). 2 submissions from 2 submitters: Uncertain significance (1); Likely benign (1). Last evaluated 2025-10-12.

Conditions:
Inborn genetic diseases. Identifiers: MedGen C0950123, MeSH D030342.

Allele frequency attached by ClinVar (database versions not stated): ExAC 0.00001; gnomAD exomes 0.00001; gnomAD 0.00003; TOPMed 0.00003.
gnomAD v4.1: 17 of 1,613,654 alleles (0.0011%); highest among the groups gnomAD compares: Admixed American, 0.0017%; no homozygotes.

Submissions (2):

Labcorp Genetics (formerly Invitae), Labcorp
Classification: Uncertain significance. Last evaluated: 2025-10-12. Review status: criteria provided, single submitter. Criteria: Invitae Variant Classification Sherloc (09022015). Collection method: clinical testing. Allele origin: germline.
Comment: This sequence change replaces threonine, which is neutral and polar, with asparagine, which is neutral and polar, at codon 972 of the KMT2A protein (p.Thr972Asn). This variant is not present in population databases (gnomAD no frequency). This variant has not been reported in the literature in individuals affected with KMT2A-related conditions. ClinVar contains an entry for this variant (Variation ID: 1444225). Invitae Evidence Modeling of protein sequence and biophysical properties (such as structural, functional, and spatial information, amino acid conservation, physicochemical variation, residue mobility, and thermodynamic stability) indicates that this missense variant is not expected to disrupt KMT2A protein function with a negative predictive value of 95%. In summary, the available evidence is currently insufficient to determine the role of this variant in disease. Therefore, it has been classified as a Variant of Uncertain Significance.

Ambry Genetics
Classification: Likely benign for Inborn genetic diseases. Last evaluated: 2025-08-14. Review status: criteria provided, single submitter. Criteria: Ambry Variant Classification Scheme 2023. Collection method: clinical testing. Allele origin: germline.